The following is an entry in ClinVar:

NM_006015.6(ARID1A):c.2450C>T (p.Ala817Val)

Gene: ARID1A (AT-rich interaction domain 1A; plus strand). Cytogenetic location: 1p36.11.
Variant type: single nucleotide variant.
Coding change: c.2450C>T on transcript NM_006015.6 (MANE Select); coding-DNA position 2450, C replaced by T.
Protein change: p.Ala817Val; replaces alanine 817 with valine.
Molecular consequence: missense variant.
Genome position (GRCh38, 1-based): chr1:26,763,003, C>T. VCF-style: chr1-26763003-C-T. GRCh37 (hg19) VCF-style: chr1-27089494-C-T.
Other names: c.2450C>T, p.Ala817Val (NM_139135.4); short protein forms A817V.
Identifiers: ClinVar variation 2631411 (VCV002631411.2), dbSNP rs2124067834, ClinGen allele CA339156197.

ClinVar aggregate classification (germline): Uncertain significance (0 of 4 stars; one submission).

Conditions:
ARID1A-related disorder. Also called: ARID1A-related condition.

Allele frequency attached by ClinVar (database versions not stated): gnomAD exomes 0.00001.
gnomAD v4.1: 15 of 1,606,516 alleles (0.00093%); highest among the groups gnomAD compares: Non-Finnish European, 0.0013%; no homozygotes.

Submission:

PreventionGenetics, part of Exact Sciences
Classification: Uncertain significance for ARID1A-related condition. Last evaluated: 2024-09-04. Review status: no assertion criteria provided. Collection method: clinical testing. Allele origin: germline.
Comment: The ARID1A c.2450C>T variant is predicted to result in the amino acid substitution p.Ala817Val. To our knowledge, this variant has not been reported in the literature or in a large population database, indicating this variant is rare. At this time, the clinical significance of this variant is uncertain due to the absence of conclusive functional and genetic evidence.